The following is an entry in ClinVar:

ClinVar aggregate classification (germline): Likely benign (1 of 4 stars; one submission).

gnomAD v4.1: 1 of 1,211,185 alleles (0.000083%); no homozygotes.

Submission:

CeGaT Center for Human Genetics Tuebingen
Classification: Likely benign. Last evaluated: 2022-10-01. Review status: criteria provided, single submitter. Criteria: CeGaT Center For Human Genetics Tuebingen Variant Classification Criteria Version 2. Collection method: clinical testing. Allele origin: germline. Affected: yes. Observed: 1 variant allele.
Comment: RLIM: PM2:Supporting, BP4, BP7

NM_016120.4(RLIM):c.1431T>G (p.Pro477=)

Gene: RLIM (ring finger protein, LIM domain interacting; minus strand). Cytogenetic location: Xq13.2.
Variant type: single nucleotide variant.
Coding change: c.1431T>G on transcript NM_016120.4 (MANE Select); coding-DNA position 1431, T replaced by G.
Protein change: p.Pro477=; no amino-acid change (proline 477 retained).
Molecular consequence: synonymous variant.
Genome position (GRCh38, 1-based): chrX:74,591,884, A>C on the plus strand (T>G on the coding strand, the complement: RLIM is on the minus strand). VCF-style: chrX-74591884-A-C. GRCh37 (hg19) VCF-style: chrX-73811719-A-C.
Other names: c.1431T>G, p.Pro477= (NM_183353.3).
Identifiers: ClinVar variation 2660927 (VCV002660927.24), dbSNP rs2079616066, ClinGen allele CA517465417.